The following is an entry in ClinVar:

NM_001458.5(FLNC):c.1922A>G (p.His641Arg)

Gene: FLNC (filamin C; plus strand). Cytogenetic location: 7q32.1.
Variant type: single nucleotide variant.
Coding change: c.1922A>G on transcript NM_001458.5 (MANE Select); coding-DNA position 1922, A replaced by G.
Protein change: p.His641Arg; replaces histidine 641 with arginine.
Molecular consequence: missense variant.
Genome position (GRCh38, 1-based): chr7:128,841,278, A>G. VCF-style: chr7-128841278-A-G. GRCh37 (hg19) VCF-style: chr7-128481332-A-G.
Other names: c.1922A>G, p.His641Arg (NM_001127487.2); short protein forms H641R.
Identifiers: ClinVar variation 1782703 (VCV001782703.2), dbSNP rs2536628409, ClinGen allele CA369227370.

ClinVar aggregate classification (germline): Uncertain significance (1 of 4 stars; one submission).

Conditions:
Cardiovascular phenotype. Identifiers: MedGen CN230736.

gnomAD v4.1: 8 of 1,614,034 alleles (0.0005%); highest among the groups gnomAD compares: South Asian, 0.0022%; no homozygotes.

Submission:

Ambry Genetics
Classification: Uncertain significance for Cardiovascular phenotype. Last evaluated: 2019-08-02. Review status: criteria provided, single submitter. Criteria: Ambry Variant Classification Scheme 2023. Collection method: clinical testing. Allele origin: germline.
Comment: The p.H641R variant (also known as c.1922A>G), located in coding exon 12 of the FLNC gene, results from an A to G substitution at nucleotide position 1922. The histidine at codon 641 is replaced by arginine, an amino acid with highly similar properties. This amino acid position is highly conserved in available vertebrate species. In addition, this alteration is predicted to be deleterious by in silico analysis. Since supporting evidence is limited at this time, the clinical significance of this alteration remains unclear.